The following is an entry in ClinVar:

ClinVar aggregate classification (germline): Uncertain significance (1 of 4 stars; one submission).

Submission:

GeneDx
Classification: Uncertain significance. Last evaluated: 2017-04-20. Review status: criteria provided, single submitter. Criteria: GeneDx Variant Classification (06012015). Collection method: clinical testing. Allele origin: germline. Affected: yes.
Comment: The c.1440dupT variant has not been published as a pathogenic variant, nor has it been reported as a benign variant to our knowledge. The variant causes a frameshift starting with codon Valine 481, changes this amino acid to a Cysteine residue and creates a premature Stop codon at position 19 of the new reading frame, denoted p.Val481CysfsX19. The c.1440dupT variant is not observed in large population cohorts (Lek et al., 2016; 1000 Genomes Consortium et al., 2015; Exome Variant Server). This variant is predicted to cause loss of normal protein function either through protein truncation or nonsense-mediated mRNA decay. However, variants in the MEFV gene resulting in the creation of a Stop codon are very rarely reported in the Human Gene Mutation Database (Stenson et al., 2014). As such, their pathogenicity in relation to FMF is not clearly defined. In summary, based on the currently available information, it is unclear whether this variant is a pathogenic variant or a rare benign variant.

NM_000243.3(MEFV):c.1440dup (p.Val481fs)

Gene: MEFV (MEFV innate immuity regulator, pyrin; minus strand). Cytogenetic location: 16p13.3.
Variant type: Duplication.
Coding change: c.1440dup on transcript NM_000243.3 (MANE Select); coding-DNA position 1440, one base duplicated (T; older notation c.1440dupT).
Protein change: p.Val481fs; shifts the reading frame from valine 481.
Molecular consequence: frameshift variant.
Genome position (GRCh38, 1-based): chr16:3,247,163, A duplicated on the plus strand (T on the coding strand, the reverse complement: MEFV is on the minus strand); the first of 3 consecutive A bases (chr16:3,247,163-3,247,165); duplicating any one gives the same sequence. VCF-style (leftmost placement, unchanged base first): chr16-3247162-C-CA. GRCh37 (hg19) VCF-style: chr16-3297162-C-CA.
Other names: c.807dup, p.Val270fs (NM_001198536.2); c.1440dupT (NM_000243.2); short protein forms V481fs, V270fs.
Identifiers: ClinVar variation 426349 (VCV000426349.2), dbSNP rs1085307581, ClinGen allele CA645294086.